The following is an entry in ClinVar:

ClinVar aggregate classification (germline): Conflicting classifications of pathogenicity. Review status: criteria provided, conflicting classifications (1 of 4 stars). 3 submissions from 3 submitters: Uncertain significance (2); Benign (1). Last evaluated 2025-09-03.

Conditions:
Thyrotoxic periodic paralysis, susceptibility to, 1 (TTPP1). Identifiers: Orphanet 79102, MedGen C2749982, MONDO:0008570, OMIM 188580.
Congenital myopathy 18. Also called: DIHYDROPYRIDINE RECEPTOR CONGENITAL MYOPATHY; DHPR CONGENITAL MYOPATHY; Myopathy, congenital, due to dihydropyridine receptor defect. Identifiers: MedGen C5830283, MONDO:0859514, OMIM 620246.
Malignant hyperthermia, susceptibility to, 5 (MHS5). Also called: CACNA1S-Related Malignant Hyperthermia Susceptibility. Identifiers: Orphanet 423, MedGen C1866077, MONDO:0011163, OMIM 601887.
Hypokalemic periodic paralysis, type 1. Also called: HypoPP; Hypokalemic Periodic Paralysis Type 1 (AD). Identifiers: Orphanet 681, MedGen C3714580, MONDO:0042979, OMIM 170400.

gnomAD v4.1: 12 of 1,614,060 alleles (0.00074%); highest among the groups gnomAD compares: African/African-American, 0.011%; no homozygotes.

Submissions (3):

Labcorp Genetics (formerly Invitae), Labcorp
Classification: Benign for Hypokalemic periodic paralysis, type 1; Malignant hyperthermia, susceptibility to, 5. Last evaluated: 2025-09-03. Review status: criteria provided, single submitter. Criteria: Invitae Variant Classification Sherloc (09022015). Collection method: clinical testing. Allele origin: germline.

Fulgent Genetics
Classification: Uncertain significance for Hypokalemic periodic paralysis, type 1; Thyrotoxic periodic paralysis, susceptibility to, 1; Malignant hyperthermia, susceptibility to, 5; Congenital myopathy 18. Last evaluated: 2024-05-20. Review status: criteria provided, single submitter. Criteria: ACMG Guidelines, 2015. Collection method: clinical testing. Allele origin: germline.

All of Us Research Program, National Institutes of Health
Classification: Uncertain significance for Malignant hyperthermia, susceptibility to, 5. Last evaluated: 2024-04-16. Review status: criteria provided, single submitter. Criteria: ACMG Guidelines, 2015. Collection method: clinical testing. Allele origin: germline. Inheritance: Autosomal dominant inheritance. Observed: 1 variant allele, 1 heterozygote.
Comment: This missense variant replaces glutamine with histidine at codon 1087 of the CACNA1S protein. Computational prediction suggests that this variant may have deleterious impact on protein structure and function. To our knowledge, functional studies have not been reported for this variant. This variant has not been reported in individuals affected with CACNA1S-related disorders in the literature. This variant has been identified in 4/282864 chromosomes in the general population by the Genome Aggregation Database (gnomAD). The available evidence is insufficient to determine the role of this variant in disease conclusively. Therefore, this variant is classified as a Variant of Uncertain Significance.

This study involves interpretation of variants in research participants for the purpose of population health screening. Participant phenotype was not available at the time of variant classification. Additional details can be found in publication PMID: 35346344, PMCID: PMC8962531

NM_000069.3(CACNA1S):c.3261A>C (p.Gln1087His)

Gene: CACNA1S (calcium voltage-gated channel subunit alpha1 S; minus strand). Cytogenetic location: 1q32.1.
Variant type: single nucleotide variant.
Coding change: c.3261A>C on transcript NM_000069.3 (MANE Select); coding-DNA position 3261, A replaced by C.
Protein change: p.Gln1087His; replaces glutamine 1087 with histidine.
Molecular consequence: missense variant.
Genome position (GRCh38, 1-based): chr1:201,060,811, T>G on the plus strand (A>C on the coding strand, the complement: CACNA1S is on the minus strand). VCF-style: chr1-201060811-T-G. GRCh37 (hg19) VCF-style: chr1-201029939-T-G.
Other names: short protein forms Q1087H.
Identifiers: ClinVar variation 2148145 (VCV002148145.6), dbSNP rs34515088, ClinGen allele CA079627.